The following is an entry in ClinVar:

ClinVar aggregate classification (germline): Uncertain significance (1 of 4 stars; one submission).

Conditions:
Inborn genetic diseases. Identifiers: MedGen C0950123, MeSH D030342.

Allele frequency attached by ClinVar (database versions not stated): gnomAD 0.00001.
gnomAD v4.1: 6 of 1,614,038 alleles (0.00037%); highest among the groups gnomAD compares: Middle Eastern, 0.033%; no homozygotes.

Submission:

Ambry Genetics
Classification: Uncertain significance for Inborn genetic diseases. Last evaluated: 2023-09-20. Review status: criteria provided, single submitter. Criteria: Ambry Variant Classification Scheme 2023. Collection method: clinical testing. Allele origin: germline.
Comment: The p.S625R variant (also known as c.1873A>C), located in coding exon 12 of the EPAS1 gene, results from an A to C substitution at nucleotide position 1873. The serine at codon 625 is replaced by arginine, an amino acid with dissimilar properties. This amino acid position is conserved. In addition, this alteration is predicted to be tolerated by in silico analysis. Since supporting evidence is limited at this time, the clinical significance of this alteration remains unclear.

NM_001430.5(EPAS1):c.1873A>C (p.Ser625Arg)

Gene: EPAS1 (endothelial PAS domain protein 1; plus strand). Cytogenetic location: 2p21.
Variant type: single nucleotide variant.
Coding change: c.1873A>C on transcript NM_001430.5 (MANE Select); coding-DNA position 1873, A replaced by C.
Protein change: p.Ser625Arg; replaces serine 625 with arginine.
Molecular consequence: missense variant.
Genome position (GRCh38, 1-based): chr2:46,380,545, A>C. VCF-style: chr2-46380545-A-C. GRCh37 (hg19) VCF-style: chr2-46607684-A-C.
Other names: short protein forms S625R.
Identifiers: ClinVar variation 1781723 (VCV001781723.2), dbSNP rs774504970, ClinGen allele CA1645135.